The following is an entry in ClinVar:

ClinVar aggregate classification (germline): Likely benign. Review status: criteria provided, multiple submitters, no conflicts (2 of 4 stars). 3 submissions from 3 submitters: Likely benign (2). 1 of the submissions does not count toward it. Last evaluated 2024-12-12.

Conditions:
TBX6-related disorder. Also called: TBX6-related condition.

Allele frequency attached by ClinVar (database versions not stated): gnomAD exomes 0.00012 and 0.00027; gnomAD 0.00028 and 0.00031; ExAC 0.00035; ESP Exome Variant Server 0.00048; 1000 Genomes Project 0.00120.

Submissions (3):

Labcorp Genetics (formerly Invitae), Labcorp
Classification: Likely benign. Last evaluated: 2024-12-12. Review status: criteria provided, single submitter. Criteria: Invitae Variant Classification Sherloc (09022015). Collection method: clinical testing. Allele origin: germline.

Blueprint Genetics
Classification: Likely benign. Last evaluated: 2023-10-05. Review status: criteria provided, single submitter. Criteria: ACMG Guidelines, 2015. Collection method: clinical testing. Allele origin: germline.

PreventionGenetics, part of Exact Sciences
Classification: Likely benign for TBX6-related condition. Last evaluated: 2019-09-10. Review status: no assertion criteria provided. Collection method: clinical testing. Allele origin: germline. Not counted in ClinVar's aggregate classification.
Comment: This variant is classified as likely benign based on ACMG/AMP sequence variant interpretation guidelines (Richards et al. 2015 PMID: 25741868, with internal and published modifications).

NM_004608.4(TBX6):c.840-12_840-10del

Gene: TBX6 (T-box transcription factor 6; minus strand). Cytogenetic location: 16p11.2.
Variant type: Deletion.
Coding change: c.840-12_840-10del on transcript NM_004608.4 (MANE Select); 12 bases into the intron before coding-DNA position 840 through 10 bases into the intron before coding-DNA position 840, 3 bases deleted (ACT; older notation c.840-12_840-10delACT).
Molecular consequence: intron variant.
Genome position (GRCh38, 1-based): chr16:30,086,861-30,086,863, AGT deleted on the plus strand (ACT on the coding strand, the reverse complement: TBX6 is on the minus strand). VCF-style (leftmost placement, unchanged base first): chr16-30086860-CAGT-C. GRCh37 (hg19) VCF-style: chr16-30098181-CAGT-C.
Other names: c.840-12_840-10delACT (NM_004608.3).
Identifiers: ClinVar variation 1585695 (VCV001585695.11), dbSNP rs576862142, ClinGen allele CA8001766.